The following is an entry in ClinVar:

ClinVar aggregate classification (germline): Uncertain significance (1 of 4 stars; one submission).

Submission:

Labcorp Genetics (formerly Invitae), Labcorp
Classification: Uncertain significance. Last evaluated: 2024-12-05. Review status: criteria provided, single submitter. Criteria: Invitae Variant Classification Sherloc (09022015). Collection method: clinical testing. Allele origin: germline.
Comment: This sequence change replaces lysine, which is basic and polar, with asparagine, which is neutral and polar, at codon 802 of the RAI1 protein (p.Lys802Asn). This variant is not present in population databases (gnomAD no frequency). This variant has not been reported in the literature in individuals affected with RAI1-related conditions. Invitae Evidence Modeling of protein sequence and biophysical properties (such as structural, functional, and spatial information, amino acid conservation, physicochemical variation, residue mobility, and thermodynamic stability) indicates that this missense variant is not expected to disrupt RAI1 protein function with a negative predictive value of 80%. In summary, the available evidence is currently insufficient to determine the role of this variant in disease. Therefore, it has been classified as a Variant of Uncertain Significance.

NM_030665.4(RAI1):c.2406G>C (p.Lys802Asn)

Gene: RAI1 (retinoic acid induced 1; plus strand). Cytogenetic location: 17p11.2.
Variant type: single nucleotide variant.
Coding change: c.2406G>C on transcript NM_030665.4 (MANE Select); coding-DNA position 2406, G replaced by C.
Protein change: p.Lys802Asn; replaces lysine 802 with asparagine.
Molecular consequence: missense variant.
Genome position (GRCh38, 1-based): chr17:17,795,354, G>C. VCF-style: chr17-17795354-G-C. GRCh37 (hg19) VCF-style: chr17-17698668-G-C.
Other names: short protein forms K802N.
Identifiers: ClinVar variation 3703011 (VCV003703011.2).